The following is an entry in ClinVar:

NM_032043.3(BRIP1):c.700A>T (p.Lys234Ter)

Gene: BRIP1 (BRCA1 interacting DNA helicase 1; minus strand). Cytogenetic location: 17q23.2.
Variant type: single nucleotide variant.
Coding change: c.700A>T on transcript NM_032043.3 (MANE Select); coding-DNA position 700, A replaced by T.
Protein change: p.Lys234Ter; replaces lysine 234 with a stop codon.
Molecular consequence: nonsense.
Genome position (GRCh38, 1-based): chr17:61,808,685, T>A on the plus strand (A>T on the coding strand, the complement: BRIP1 is on the minus strand). VCF-style: chr17-61808685-T-A. GRCh37 (hg19) VCF-style: chr17-59886046-T-A.
Other names: short protein forms K234*.
Identifiers: ClinVar variation 2583514 (VCV002583514.4), dbSNP rs1060501780, ClinGen allele CA400485100.

ClinVar aggregate classification (germline): Pathogenic. Review status: criteria provided, multiple submitters, no conflicts (2 of 4 stars). 3 submissions from 3 submitters: Pathogenic (3). Last evaluated 2026-08-25.

Conditions:
Fanconi anemia complementation group J. Also called: BRIP1-Related Fanconi Anemia. Identifiers: Orphanet 84, MedGen C1836860, MONDO:0012187, OMIM 609054.
Hereditary cancer-predisposing syndrome. Also called: Hereditary neoplastic syndrome; Hereditary Cancer Syndrome; Neoplastic Syndromes, Hereditary; Tumor predisposition. Identifiers: Orphanet 140162, MedGen C0027672, MeSH D009386, MONDO:0015356.
Familial cancer of breast. Also called: BREAST CANCER, FAMILIAL; hereditary breast carcinoma; Hereditary breast cancer. Identifiers: Orphanet 227535, MedGen C0346153, MONDO:0016419, OMIM 114480. Disease mechanism: loss of function.

Submissions (3):

Ambry Genetics
Classification: Pathogenic for Hereditary cancer-predisposing syndrome. Last evaluated: 2026-08-25. Review status: criteria provided, single submitter. Criteria: Ambry Variant Classification Scheme 2023. Collection method: clinical testing. Allele origin: germline.
Comment: The p.K234* pathogenic mutation (also known as c.700A>T), located in coding exon 6 of the BRIP1 gene, results from an A to T substitution at nucleotide position 700. This changes the amino acid from a lysine to a stop codon within coding exon 6. This alteration is expected to result in loss of function by premature protein truncation or nonsense-mediated mRNA decay. As such, this alteration is interpreted as a disease-causing mutation.

Women's Health and Genetics/Laboratory Corporation of America, LabCorp
Classification: Pathogenic for Fanconi anemia complementation group J. Last evaluated: 2026-02-06. Review status: criteria provided, single submitter. Criteria: LabCorp Variant Classification Summary - May 2015. Collection method: clinical testing. Allele origin: germline.
Comment: Variant summary: BRIP1 c.700A>T (p.Lys234X) results in a premature termination codon, predicted to cause a truncation of the encoded protein or absence of the protein due to nonsense mediated decay, which are commonly known mechanisms for disease. The variant was absent in 251154 control chromosomes. To our knowledge, no occurrence of c.700A>T in individuals affected with BRIP1-related conditions and no experimental evidence demonstrating its impact on protein function have been reported. ClinVar contains an entry for this variant (Variation ID: 2583514). Based on the evidence outlined above, the variant was classified as pathogenic.

Myriad Genetics, Inc.
Classification: Pathogenic for Familial cancer of breast. Last evaluated: 2023-05-31. Review status: criteria provided, single submitter. Criteria: Myriad Autosomal Dominant, Autosomal Recessive and X-Linked Classification Criteria (2023). Collection method: clinical testing. Allele origin: unknown.
Comment: This variant is considered pathogenic. This variant creates a termination codon and is predicted to result in premature protein truncation.